The following is an entry in ClinVar:

NC_000009.11:g.(?_79814841)_(79975577_?)dup

Gene: VPS13A (vacuolar protein sorting 13 homolog A; plus strand). Cytogenetic location: 9q21.2.
Variant type: Duplication.
Identifiers: ClinVar variation 3245380 (VCV003245380.1).

ClinVar aggregate classification (germline): Likely pathogenic (1 of 4 stars; one submission).

Submission:

Labcorp Genetics (formerly Invitae), Labcorp
Classification: Likely pathogenic. Last evaluated: 2023-04-30. Review status: criteria provided, single submitter. Criteria: Invitae Variant Classification Sherloc (09022015). Collection method: clinical testing. Allele origin: unknown.
Comment: In summary, the currently available evidence indicates that the variant is pathogenic, but additional data are needed to prove that conclusively. Therefore, this variant has been classified as Likely Pathogenic. This variant has not been reported in the literature in individuals affected with VPS13A-related conditions. This variant results in a copy number gain of the genomic region encompassing exon(s) 2-59 of the VPS13A gene. While the exact position of this variant cannot be determined from the data, sub-genic copy number gains are generally in tandem (PMID: 25640679). This variant is predicted to be out-of-frame, and may result in an absent or disrupted protein product. Loss-of-function variants in VPS13A are known to be pathogenic (PMID: 12404112, 21598378).

Literature cited by the submitters: PubMed 25640679; PubMed 12404112; PubMed 21598378.